The following is an entry in ClinVar:

ClinVar aggregate classification (germline): Uncertain significance (1 of 4 stars; one submission).

Conditions:
Aneurysm-osteoarthritis syndrome. Also called: SMAD3-Related Loeys-Dietz Syndrome; ANEURYSMS-OSTEOARTHRITIS SYNDROME; Loeys-Dietz syndrome, type 1C; LOEYS-DIETZ SYNDROME WITH OSTEOARTHRITIS. Identifiers: Orphanet 284984, MedGen C3151087, MONDO:0013426, OMIM 613795.

Submission:

All of Us Research Program, National Institutes of Health
Classification: Uncertain significance for Aneurysm-osteoarthritis syndrome. Last evaluated: 2023-09-17. Review status: criteria provided, single submitter. Criteria: ACMG Guidelines, 2015. Collection method: clinical testing. Allele origin: germline. Inheritance: Autosomal dominant inheritance. Observed: 1 variant allele, 1 heterozygote.
Comment: This variant causes a C to A nucleotide substitution at the +3 position of intron 8 of the SMAD3 gene. To our knowledge, functional studies have not been reported for this variant. This variant has not been reported in individuals affected with SMAD3-related disorders in the literature. This variant has not been identified in the general population by the Genome Aggregation Database (gnomAD). The available evidence is insufficient to determine the role of this variant in disease conclusively. Therefore, this variant is classified as a Variant of Uncertain Significance.

This study involves interpretation of variants in research participants for the purpose of population health screening. Participant phenotype was not available at the time of variant classification. Additional details can be found in publication PMID: 35346344, PMCID: PMC8962531

NM_005902.4(SMAD3):c.1154+3C>A

Gene: SMAD3 (SMAD family member 3; plus strand). Cytogenetic location: 15q22.33.
Variant type: single nucleotide variant.
Coding change: c.1154+3C>A on transcript NM_005902.4 (MANE Select); 3 bases into the intron after coding-DNA position 1154, C replaced by A.
Molecular consequence: intron variant.
Genome position (GRCh38, 1-based): chr15:67,187,512, C>A. VCF-style: chr15-67187512-C-A. GRCh37 (hg19) VCF-style: chr15-67479850-C-A.
Other names: c.1265+3C>A (NM_001407011.1); c.1016+3C>A (NM_001407013.1); c.1022+3C>A (NM_001407012.1, NM_001145103.2); c.1007+3C>A (NM_001407014.1); c.839+3C>A (NM_001145102.2, NM_001407016.1); c.707+3C>A (NM_001407015.1); c.569+3C>A (NM_001145104.2, NM_001407017.1).
Identifiers: ClinVar variation 3073479 (VCV003073479.1), dbSNP rs2505311347, ClinGen allele CA2825002299.
Genomic context (GRCh38, chr15:67,187,512, plus strand): 5'-TGACCCGAATGTGCACCATCCGCATGAGCTTCGTCAAAGGCTGGGGAGCGGAGTACAGGT[C>A]AGTTATGGGTGCTGCCTACATCAGGGGACCCAACTCCAGGTGACTCTGGACAGCAGAGCA-3'